The following is an entry in ClinVar:

NM_017617.5(NOTCH1):c.5716G>A (p.Ala1906Thr)

Gene: NOTCH1 (notch receptor 1; minus strand). Cytogenetic location: 9q34.3.
Variant type: single nucleotide variant.
Coding change: c.5716G>A on transcript NM_017617.5 (MANE Select); coding-DNA position 5716, G replaced by A.
Protein change: p.Ala1906Thr; replaces alanine 1906 with threonine.
Molecular consequence: missense variant.
Genome position (GRCh38, 1-based): chr9:136,500,770, C>T on the plus strand (G>A on the coding strand, the complement: NOTCH1 is on the minus strand). VCF-style: chr9-136500770-C-T. GRCh37 (hg19) VCF-style: chr9-139395222-C-T.
Other names: c.5716G>A, p.Ala1906Thr (LRG_1122t1); short protein forms A1906T.
Identifiers: ClinVar variation 544193 (VCV000544193.8), dbSNP rs779880917, ClinGen allele CA201638579.

ClinVar aggregate classification (germline): Uncertain significance (1 of 4 stars; one submission).

Conditions:
Adams-Oliver syndrome 5 (AOS5). Identifiers: Orphanet 974, MedGen C4014970, MONDO:0014459, OMIM 616028.

Allele frequency attached by ClinVar (database versions not stated): TOPMed 0.00001; gnomAD 0.00003.
gnomAD v4.1: 14 of 1,603,440 alleles (0.00087%); highest among the groups gnomAD compares: Non-Finnish European, 0.0012%; no homozygotes.

Submission:

Labcorp Genetics (formerly Invitae), Labcorp
Classification: Uncertain significance for Adams-Oliver syndrome 5. Last evaluated: 2025-11-05. Review status: criteria provided, single submitter. Criteria: Invitae Variant Classification Sherloc (09022015). Collection method: clinical testing. Allele origin: germline.
Comment: This sequence change replaces alanine, which is neutral and non-polar, with threonine, which is neutral and polar, at codon 1906 of the NOTCH1 protein (p.Ala1906Thr). This variant is present in population databases (no rsID available, gnomAD 0.002%). This variant has not been reported in the literature in individuals affected with NOTCH1-related conditions. ClinVar contains an entry for this variant (Variation ID: 544193). Invitae Evidence Modeling of protein sequence and biophysical properties (such as structural, functional, and spatial information, amino acid conservation, physicochemical variation, residue mobility, and thermodynamic stability) indicates that this missense variant is not expected to disrupt NOTCH1 protein function with a negative predictive value of 80%. In summary, the available evidence is currently insufficient to determine the role of this variant in disease. Therefore, it has been classified as a Variant of Uncertain Significance.